The following is an entry in ClinVar:

NM_002900.3(RBP3):c.1258G>A (p.Ala420Thr)

Gene: RBP3 (retinol binding protein 3; plus strand). Cytogenetic location: 10q11.22.
Variant type: single nucleotide variant.
Coding change: c.1258G>A on transcript NM_002900.3 (MANE Select); coding-DNA position 1258, G replaced by A.
Protein change: p.Ala420Thr; replaces alanine 420 with threonine.
Molecular consequence: missense variant.
Genome position (GRCh38, 1-based): chr10:47,349,742, G>A. VCF-style: chr10-47349742-G-A. GRCh37 (hg19) VCF-style: chr10-48389620-C-T.
Other names: short protein forms A420T.
Identifiers: ClinVar variation 966062 (VCV000966062.8), dbSNP rs149484678, ClinGen allele CA376669100.
Genomic context (GRCh38, chr10:47,349,742, plus strand): 5'-GCGCCCGACGCTGCAGCCGAAGACTCACCAGGGGTGGCCCCAGAGTTGCCTGAGGACGAG[G>A]CTATCCGGCAAGCACTGGTGGACTCTGTGTTCCAGGTGTCGGTGCTGCCAGGCAATGTGG-3'
Protein context (NP_002891.1, residues 410-430): GVAPELPEDE[Ala420Thr]IRQALVDSVF

ClinVar aggregate classification (germline): Uncertain significance. Review status: criteria provided, multiple submitters, no conflicts (2 of 4 stars). 3 submissions from 3 submitters: Uncertain significance (3). Last evaluated 2025-01-19.

Conditions:
Inborn genetic diseases. Identifiers: MedGen C0950123, MeSH D030342.

Allele frequency attached by ClinVar (database versions not stated): ESP Exome Variant Server 0.00008; TOPMed 0.00018.
gnomAD v4.1: 27 of 1,612,558 alleles (0.0017%); highest among the groups gnomAD compares: African/African-American, 0.035%; no homozygotes.

Submissions (3):

Ambry Genetics
Classification: Uncertain significance for Inborn genetic diseases. Last evaluated: 2025-01-19. Review status: criteria provided, single submitter. Criteria: Ambry Variant Classification Scheme 2023. Collection method: clinical testing. Allele origin: germline.

Labcorp Genetics (formerly Invitae), Labcorp
Classification: Uncertain significance. Last evaluated: 2024-10-21. Review status: criteria provided, single submitter. Criteria: Invitae Variant Classification Sherloc (09022015). Collection method: clinical testing. Allele origin: germline.
Comment: This sequence change replaces alanine, which is neutral and non-polar, with threonine, which is neutral and polar, at codon 420 of the RBP3 protein (p.Ala420Thr). This variant is present in population databases (rs149484678, gnomAD 0.03%). This variant has not been reported in the literature in individuals affected with RBP3-related conditions. ClinVar contains an entry for this variant (Variation ID: 966062). Invitae Evidence Modeling of protein sequence and biophysical properties (such as structural, functional, and spatial information, amino acid conservation, physicochemical variation, residue mobility, and thermodynamic stability) indicates that this missense variant is not expected to disrupt RBP3 protein function with a negative predictive value of 80%. In summary, the available evidence is currently insufficient to determine the role of this variant in disease. Therefore, it has been classified as a Variant of Uncertain Significance.

Blueprint Genetics
Classification: Uncertain significance. Last evaluated: 2024-04-17. Review status: criteria provided, single submitter. Criteria: ACMG Guidelines, 2015. Collection method: clinical testing. Allele origin: germline.